The following is an entry in ClinVar:

ClinVar aggregate classification (germline): Pathogenic (1 of 4 stars; one submission).

Conditions:
Autosomal recessive limb-girdle muscular dystrophy type 2L (LGMDR12). Also called: Limb-girdle muscular dystrophy, type 2L; MUSCULAR DYSTROPHY, LIMB-GIRDLE, AUTOSOMAL RECESSIVE 12; Limb-Girdle Muscular Dystrophy R12 Anoctamin-5-Related (LGMD-R12). Identifiers: Orphanet 206549, MedGen C1969785, MONDO:0012652, OMIM 611307.
Gnathodiaphyseal dysplasia (GDD). Also called: GNATHODIAPHYSEAL SCLEROSIS; OSTEOGENESIS IMPERFECTA WITH UNUSUAL SKELETAL LESIONS. Identifiers: Orphanet 53697, MedGen C1833736, MONDO:0008151, OMIM 166260.

gnomAD v4.1: 1 of 1,613,162 alleles (0.000062%); highest among the groups gnomAD compares: Non-Finnish European, 0.000085%; no homozygotes.

Submission:

Labcorp Genetics (formerly Invitae), Labcorp
Classification: Pathogenic for Autosomal recessive limb-girdle muscular dystrophy type 2L; Gnathodiaphyseal dysplasia. Last evaluated: 2021-10-17. Review status: criteria provided, single submitter. Criteria: Invitae Variant Classification Sherloc (09022015). Collection method: clinical testing. Allele origin: germline.
Comment: This variant has not been reported in the literature in individuals affected with ANO5-related conditions. For these reasons, this variant has been classified as Pathogenic. Algorithms developed to predict the effect of sequence changes on RNA splicing suggest that this variant may create or strengthen a splice site. This variant is not present in population databases (ExAC no frequency). This sequence change creates a premature translational stop signal (p.Glu8*) in the ANO5 gene. It is expected to result in an absent or disrupted protein product. Loss-of-function variants in ANO5 are known to be pathogenic (PMID: 21186264, 23606453, 25891276, 30919934).

Literature cited by the submitters: PubMed 21186264; PubMed 23606453; PubMed 25891276; PubMed 30919934.

NM_213599.3(ANO5):c.22G>T (p.Glu8Ter)

Gene: ANO5 (anoctamin 5; plus strand). Cytogenetic location: 11p14.3.
Variant type: single nucleotide variant.
Coding change: c.22G>T on transcript NM_213599.3 (MANE Select); coding-DNA position 22, G replaced by T.
Protein change: p.Glu8Ter; replaces glutamic acid 8 with a stop codon.
Molecular consequence: nonsense.
Genome position (GRCh38, 1-based): chr11:22,193,514, G>T. VCF-style: chr11-22193514-G-T. GRCh37 (hg19) VCF-style: chr11-22215060-G-T.
Other names: c.22G>T, p.Glu8Ter (NM_001142649.2); short protein forms E8*.
Identifiers: ClinVar variation 1396797 (VCV001396797.6), dbSNP rs1191668273, ClinGen allele CA379921914.